The following is an entry in ClinVar:

NM_005609.4(PYGM):c.134del (p.Asn45fs)

Gene: PYGM (glycogen phosphorylase, muscle associated; minus strand). Cytogenetic location: 11q13.1.
Variant type: Deletion.
Coding change: c.134del on transcript NM_005609.4 (MANE Select); coding-DNA position 134, one base deleted (A; older notation c.134delA).
Protein change: p.Asn45fs; shifts the reading frame from asparagine 45.
Molecular consequence: frameshift variant.
Genome position (GRCh38, 1-based): chr11:64,759,765, T deleted on the plus strand (A on the coding strand, the reverse complement: PYGM is on the minus strand); the first of 2 consecutive T bases (chr11:64,759,765-64,759,766); deleting either gives the same sequence. VCF-style (leftmost placement, unchanged base first): chr11-64759764-AT-A. GRCh37 (hg19) VCF-style: chr11-64527236-AT-A.
Other names: c.134del, p.Asn45fs (NM_001164716.1); short protein forms N45fs.
Identifiers: ClinVar variation 3240241 (VCV003240241.2), dbSNP rs2496675394.

ClinVar aggregate classification (germline): Pathogenic/Likely pathogenic. Review status: criteria provided, multiple submitters, no conflicts (2 of 4 stars). 2 submissions from 2 submitters: Pathogenic (1); Likely pathogenic (1). Last evaluated 2024-03-31.

Conditions:
Glycogen storage disease, type V (GSD5). Also called: MCARDLE DISEASE; MUSCLE GLYCOGEN PHOSPHORYLASE DEFICIENCY; MYOPHOSPHORYLASE DEFICIENCY; PYGM DEFICIENCY; McArdle type glycogen storage disease. Identifiers: Orphanet 368, MedGen C0017924, MONDO:0009293, OMIM 232600.

Submissions (2):

Myriad Genetics, Inc.
Classification: Pathogenic for Glycogen storage disease, type V. Last evaluated: 2024-03-31. Review status: criteria provided, single submitter. Criteria: Myriad Autosomal Dominant, Autosomal Recessive and X-Linked Classification Criteria (2023). Collection method: clinical testing. Allele origin: unknown.
Comment: NM_005609.2(PYGM):c.134delA(N45Mfs*44) is expected to be pathogenic in the context of glycogen storage disease, PYGM-related. This variant is predicted to lead to an abnormal or absent protein product due to the creation of a premature termination codon in PYGM, a gene where loss-of-function variants are known to be pathogenic. Please note: this variant was assessed in the context of healthy population screening.

Baylor Genetics
Classification: Likely pathogenic for Glycogen storage disease, type V. Last evaluated: 2024-02-05. Review status: criteria provided, single submitter. Criteria: ACMG Guidelines, 2015. Collection method: clinical testing. Allele origin: unknown.